The following is an entry in ClinVar:

ClinVar aggregate classification (germline): Uncertain significance (1 of 4 stars; one submission).

Conditions:
Congenital myasthenic syndrome (CMS). Also called: Congenital Myasthenic Syndromes. Identifiers: Orphanet 590, MedGen C0751882, MeSH D020294, MONDO:0018940.

Submission:

Myriad Genetics, Inc.
Classification: Uncertain significance for Congenital myasthenic syndrome. Last evaluated: 2026-01-22. Review status: criteria provided, single submitter. Criteria: Myriad Autosomal Dominant, Autosomal Recessive and X-Linked Classification Criteria (2023). Collection method: clinical testing. Allele origin: unknown.
Comment: NM_000080.3(CHRNE):c.1219+44_1225dup53 is a variant in a canonical splice site classified as a variant of uncertain significance in the context of congenital myasthenic syndrome, CHRNE-related. c.1219+44_1225dup53 has not been observed in cases with relevant disease. Relevant functional assessments of this variant are not available in the literature. c.1219+44_1225dup53 has not been observed in referenced population frequency databases. In summary, there is insufficient evidence to classify NM_000080.3(CHRNE):c.1219+44_1225dup53 as pathogenic or benign. Please note: this variant was assessed in the context of healthy population screening.

NM_000080.4(CHRNE):c.1219+44_1225dup

Gene: CHRNE (cholinergic receptor nicotinic epsilon subunit; minus strand). Cytogenetic location: 17p13.2.
Variant type: Duplication.
Coding change: c.1219+44_1225dup on transcript NM_000080.4 (MANE Select); 44 bases into the intron after coding-DNA position 1219 through coding-DNA position 1225, 53 bases duplicated.
Molecular consequence: splice acceptor variant.
Genome position (GRCh38, 1-based): chr17:4,899,102-4,899,154, 53 bases duplicated. GRCh37 (hg19): chr17:4,802,402-4,802,454.
Identifiers: ClinVar variation 5004405 (VCV005004405.1).